The following is an entry in ClinVar:

ClinVar aggregate classification (germline): Conflicting classifications of pathogenicity. Review status: criteria provided, conflicting classifications (1 of 4 stars). 3 submissions from 3 submitters: Uncertain significance (2); Likely benign (1). Last evaluated 2024-03-06.

Conditions:
Hereditary cancer-predisposing syndrome. Also called: Neoplastic Syndromes, Hereditary; Tumor predisposition; Hereditary Cancer Syndrome; Hereditary neoplastic syndrome. Identifiers: Orphanet 140162, MedGen C0027672, MeSH D009386, MONDO:0015356.
Familial cancer of breast. Also called: BREAST CANCER, FAMILIAL; Hereditary breast cancer; hereditary breast carcinoma. Identifiers: Orphanet 227535, MedGen C0346153, MONDO:0016419, OMIM 114480. Disease mechanism: loss of function.

Submissions (3):

Color Diagnostics, LLC DBA Color Health
Classification: Uncertain significance for Hereditary cancer-predisposing syndrome. Last evaluated: 2024-03-06. Review status: criteria provided, single submitter. Criteria: ACMG Guidelines, 2015. Collection method: clinical testing. Allele origin: germline.
Comment: This missense variant replaces aspartic acid with asparagine at codon 765 of the BARD1 protein. Computational prediction suggests that this variant may not impact protein structure and function (internally defined REVEL score threshold <= 0.5, PMID: 27666373). To our knowledge, functional studies have not been reported for this variant. This variant has not been reported in individuals affected with hereditary cancer in the literature. This variant has not been identified in the general population by the Genome Aggregation Database (gnomAD). The available evidence is insufficient to determine the role of this variant in disease conclusively. Therefore, this variant is classified as a Variant of Uncertain Significance.

Ambry Genetics
Classification: Likely benign for Hereditary cancer-predisposing syndrome. Last evaluated: 2024-02-26. Review status: criteria provided, single submitter. Criteria: Ambry Variant Classification Scheme 2023. Collection method: clinical testing. Allele origin: germline.

Labcorp Genetics (formerly Invitae), Labcorp
Classification: Uncertain significance for Familial cancer of breast. Last evaluated: 2022-12-06. Review status: criteria provided, single submitter. Criteria: Invitae Variant Classification Sherloc (09022015). Collection method: clinical testing. Allele origin: germline.
Comment: Algorithms developed to predict the effect of missense changes on protein structure and function output the following: SIFT: "Deleterious"; PolyPhen-2: "Benign"; Align-GVGD: "Class C0". The asparagine amino acid residue is found in multiple mammalian species, which suggests that this missense change does not adversely affect protein function. In summary, the available evidence is currently insufficient to determine the role of this variant in disease. Therefore, it has been classified as a Variant of Uncertain Significance. ClinVar contains an entry for this variant (Variation ID: 821018). This variant has not been reported in the literature in individuals affected with BARD1-related conditions. This variant is not present in population databases (gnomAD no frequency). This sequence change replaces aspartic acid, which is acidic and polar, with asparagine, which is neutral and polar, at codon 765 of the BARD1 protein (p.Asp765Asn).

NM_000465.4(BARD1):c.2293G>A (p.Asp765Asn)

Gene: BARD1 (BRCA1 associated RING domain 1; minus strand). Cytogenetic location: 2q35.
Variant type: single nucleotide variant.
Coding change: c.2293G>A on transcript NM_000465.4 (MANE Select); coding-DNA position 2293, G replaced by A.
Protein change: p.Asp765Asn; replaces aspartic acid 765 with asparagine.
Molecular consequence: missense variant. On other transcripts: non-coding transcript variant (3).
Genome position (GRCh38, 1-based): chr2:214,728,717, C>T on the plus strand (G>A on the coding strand, the complement: BARD1 is on the minus strand). VCF-style: chr2-214728717-C-T. GRCh37 (hg19) VCF-style: chr2-215593441-C-T.
Other names: c.2236G>A, p.Asp746Asn (NM_001282543.2); c.940G>A, p.Asp314Asn (NM_001282545.2); c.883G>A, p.Asp295Asn (NM_001282548.2); c.754G>A, p.Asp252Asn (NM_001282549.2); short protein forms D252N, D746N, D765N, D295N, D314N.
Identifiers: ClinVar variation 821018 (VCV000821018.12), dbSNP rs1574701742, ClinGen allele CA350449844.